The following is an entry in ClinVar:

NM_003322.6(TULP1):c.1407C>T (p.Asn469=)

Gene: TULP1 (TUB like protein 1; minus strand). Cytogenetic location: 6p21.31.
Variant type: single nucleotide variant.
Coding change: c.1407C>T on transcript NM_003322.6 (MANE Select); coding-DNA position 1407, C replaced by T.
Protein change: p.Asn469=; no amino-acid change (asparagine 469 retained).
Molecular consequence: synonymous variant.
Genome position (GRCh38, 1-based): chr6:35,500,069, G>A on the plus strand (C>T on the coding strand, the complement: TULP1 is on the minus strand). VCF-style: chr6-35500069-G-A. GRCh37 (hg19) VCF-style: chr6-35467846-G-A.
Other names: c.1407C>T (NM_003322.5); c.1248C>T, p.Asn416= (NM_001289395.2).
Identifiers: ClinVar variation 2724109 (VCV002724109.6), dbSNP rs142578700, ClinGen allele CA3772555.

ClinVar aggregate classification (germline): Conflicting classifications of pathogenicity. Review status: criteria provided, conflicting classifications (1 of 4 stars). 3 submissions from 3 submitters: Uncertain significance (1); Likely benign (1). 1 of the submissions does not count toward it. Last evaluated 2023-10-30.

Conditions:
TULP1-related disorder. Also called: TULP1-related condition; TULP1-related disorders.
Retinal dystrophy. Also called: Inherited retinal dystrophy. Identifiers: Orphanet 71862, MedGen C0854723, MeSH D058499, MONDO:0019118, HP:0000556.

Allele frequency attached by ClinVar (database versions not stated): ESP Exome Variant Server 0.00008; gnomAD 0.00001; ExAC 0.00004; 1000 Genomes Project 30x 0.00031; TOPMed 0.00001; 1000 Genomes Project 0.00020.
gnomAD v4.1: 24 of 1,614,170 alleles (0.0015%); highest among the groups gnomAD compares: South Asian, 0.011%; no homozygotes.

Submissions (3):

Labcorp Genetics (formerly Invitae), Labcorp
Classification: Likely benign. Last evaluated: 2023-10-30. Review status: criteria provided, single submitter. Criteria: Invitae Variant Classification Sherloc (09022015). Collection method: clinical testing. Allele origin: germline.

Dept Of Ophthalmology, Nagoya University
Classification: Uncertain significance for Retinal dystrophy. Last evaluated: 2023-10-01. Review status: criteria provided, single submitter. Criteria: Submitter's publication. Collection method: research. Allele origin: germline. Affected: yes.

PreventionGenetics, part of Exact Sciences
Classification: Likely benign for TULP1-related condition. Last evaluated: 2021-03-23. Review status: no assertion criteria provided. Collection method: clinical testing. Allele origin: germline. Not counted in ClinVar's aggregate classification.
Comment: This variant is classified as likely benign based on ACMG/AMP sequence variant interpretation guidelines (Richards et al. 2015 PMID: 25741868, with internal and published modifications).